The following is an entry in ClinVar:

NM_018368.4(LMBRD1):c.662T>C (p.Leu221Ser)

Gene: LMBRD1 (LMBR1 domain containing 1; minus strand). Cytogenetic location: 6q13.
Variant type: single nucleotide variant.
Coding change: c.662T>C on transcript NM_018368.4 (MANE Select); coding-DNA position 662, T replaced by C.
Protein change: p.Leu221Ser; replaces leucine 221 with serine.
Molecular consequence: missense variant.
Genome position (GRCh38, 1-based): chr6:69,719,056, A>G on the plus strand (T>C on the coding strand, the complement: LMBRD1 is on the minus strand). VCF-style: chr6-69719056-A-G. GRCh37 (hg19) VCF-style: chr6-70428948-A-G.
Other names: c.443T>C, p.Leu148Ser (NM_001367272.1, NM_001363722.2, NM_001367271.1); short protein forms L148S, L221S.
Identifiers: ClinVar variation 1519108 (VCV001519108.6), dbSNP rs2149856480, ClinGen allele CA364669159.

ClinVar aggregate classification (germline): Uncertain significance (1 of 4 stars; one submission).

Conditions:
Methylmalonic aciduria and homocystinuria type cblF. Also called: METHYLMALONIC ACIDEMIA AND HOMOCYSTINURIA, cblF TYPE; METHYLMALONIC ACIDURIA DUE TO VITAMIN B12-RELEASE DEFECT; VITAMIN B12 LYSOSOMAL RELEASE DEFECT; VITAMIN B12 STORAGE DISEASE; COBALAMIN F DISEASE; COBALAMIN, DEFECT IN LYSOSOMAL RELEASE OF. Identifiers: Orphanet 79284, MedGen C1848578, MONDO:0010183, OMIM 277380.

gnomAD v4.1: 1 of 1,613,176 alleles (0.000062%); highest among the groups gnomAD compares: African/African-American, 0.0013%; no homozygotes.

Submission:

Labcorp Genetics (formerly Invitae), Labcorp
Classification: Uncertain significance for Methylmalonic aciduria and homocystinuria type cblF. Last evaluated: 2021-09-21. Review status: criteria provided, single submitter. Criteria: Invitae Variant Classification Sherloc (09022015). Collection method: clinical testing. Allele origin: germline.
Comment: This sequence change replaces leucine with serine at codon 221 of the LMBRD1 protein (p.Leu221Ser). The leucine residue is highly conserved and there is a large physicochemical difference between leucine and serine. In summary, the available evidence is currently insufficient to determine the role of this variant in disease. Therefore, it has been classified as a Variant of Uncertain Significance. Algorithms developed to predict the effect of missense changes on protein structure and function (SIFT, PolyPhen-2, Align-GVGD) all suggest that this variant is likely to be disruptive. This variant has not been reported in the literature in individuals affected with LMBRD1-related conditions. This variant is not present in population databases (ExAC no frequency).